The following is an entry in ClinVar:

ClinVar aggregate classification (germline): Likely benign. Review status: criteria provided, multiple submitters, no conflicts (2 of 4 stars). 3 submissions from 3 submitters: Likely benign (2). 1 of the submissions does not count toward it. Last evaluated 2025-11-05.

Conditions:
Familial hypokalemia-hypomagnesemia (GTLMNS). Also called: POTASSIUM AND MAGNESIUM DEPLETION; gitelman syndrome; HYPOMAGNESEMIA-HYPOKALEMIA, PRIMARY RENOTUBULAR, WITH HYPOCALCIURIA. Identifiers: Orphanet 358, MedGen C0268450, MONDO:0009904, OMIM 263800.

Allele frequency attached by ClinVar (database versions not stated): TOPMed 0.00001; gnomAD exomes 0.00003.
gnomAD v4.1: 38 of 1,612,812 alleles (0.0024%); highest among the groups gnomAD compares: Middle Eastern, 0.05%; 1 homozygote.

Submissions (3):

Labcorp Genetics (formerly Invitae), Labcorp
Classification: Likely benign. Last evaluated: 2025-11-05. Review status: criteria provided, single submitter. Criteria: Invitae Variant Classification Sherloc (09022015). Collection method: clinical testing. Allele origin: germline.

CeGaT Center for Human Genetics Tuebingen
Classification: Likely benign. Last evaluated: 2024-01-01. Review status: criteria provided, single submitter. Criteria: CeGaT Center For Human Genetics Tuebingen Variant Classification Criteria Version 2. Collection method: clinical testing. Allele origin: germline. Affected: yes. Observed: 1 variant allele.
Comment: SLC12A3: BP4, BP7

Natera, Inc.
Classification: Likely benign for Gitelman syndrome. Last evaluated: 2020-03-09. Review status: no assertion criteria provided. Collection method: clinical testing. Allele origin: germline. Not counted in ClinVar's aggregate classification.

NM_001126108.2(SLC12A3):c.2076C>T (p.Ile692=)

Gene: SLC12A3 (solute carrier family 12 member 3; plus strand). Cytogenetic location: 16q13.
Variant type: single nucleotide variant.
Coding change: c.2076C>T on transcript NM_001126108.2 (MANE Select); coding-DNA position 2076, C replaced by T.
Protein change: p.Ile692=; no amino-acid change (isoleucine 692 retained).
Molecular consequence: synonymous variant.
Genome position (GRCh38, 1-based): chr16:56,886,991, C>T. VCF-style: chr16-56886991-C-T. GRCh37 (hg19) VCF-style: chr16-56920903-C-T.
Other names: c.2076C>T, p.Ile692= (NM_000339.3); c.2073C>T, p.Ile691= (NM_001126107.2).
Identifiers: ClinVar variation 795518 (VCV000795518.31), dbSNP rs780880719, ClinGen allele CA8069728.